The following is an entry in ClinVar:

NM_032806.6(POMGNT2):c.466G>A (p.Ala156Thr)

Gene: POMGNT2 (protein O-linked mannose N-acetylglucosaminyltransferase 2 (beta 1,4-); minus strand). Cytogenetic location: 3p22.1.
Variant type: single nucleotide variant.
Coding change: c.466G>A on transcript NM_032806.6 (MANE Select); coding-DNA position 466, G replaced by A.
Protein change: p.Ala156Thr; replaces alanine 156 with threonine.
Molecular consequence: missense variant.
Genome position (GRCh38, 1-based): chr3:43,080,966, C>T on the plus strand (G>A on the coding strand, the complement: POMGNT2 is on the minus strand). VCF-style: chr3-43080966-C-T. GRCh37 (hg19) VCF-style: chr3-43122458-C-T.
Other names: short protein forms A156T.
Identifiers: ClinVar variation 961222 (VCV000961222.6), dbSNP rs145184880, ClinGen allele CA2340070.

ClinVar aggregate classification (germline): Uncertain significance. Review status: criteria provided, multiple submitters, no conflicts (2 of 4 stars). 2 submissions from 2 submitters: Uncertain significance (2). Last evaluated 2023-12-26.

Conditions:
Muscular dystrophy-dystroglycanopathy (congenital with brain and eye anomalies), type a, 8 (MDDGA8). Also called: WALKER-WARBURG SYNDROME OR MUSCLE-EYE-BRAIN DISEASE, GTDC2-RELATED. Identifiers: Orphanet 899, MedGen C3553813, MONDO:0013904, OMIM 614830.

Allele frequency attached by ClinVar (database versions not stated): TOPMed 0.00002.

Submissions (2):

Revvity Omics, Revvity
Classification: Uncertain significance. Last evaluated: 2023-12-26. Review status: criteria provided, single submitter. Criteria: ACMG Guidelines, 2015. Collection method: clinical testing. Allele origin: germline.

Labcorp Genetics (formerly Invitae), Labcorp
Classification: Uncertain significance for Muscular dystrophy-dystroglycanopathy (congenital with brain and eye anomalies), type a, 8. Last evaluated: 2023-01-10. Review status: criteria provided, single submitter. Criteria: Invitae Variant Classification Sherloc (09022015). Collection method: clinical testing. Allele origin: germline.
Comment: This variant has not been reported in the literature in individuals affected with POMGNT2-related conditions. In summary, the available evidence is currently insufficient to determine the role of this variant in disease. Therefore, it has been classified as a Variant of Uncertain Significance. Advanced modeling of protein sequence and biophysical properties (such as structural, functional, and spatial information, amino acid conservation, physicochemical variation, residue mobility, and thermodynamic stability) performed at Invitae indicates that this missense variant is not expected to disrupt POMGNT2 protein function. ClinVar contains an entry for this variant (Variation ID: 961222). This variant is present in population databases (rs145184880, gnomAD 0.1%). This sequence change replaces alanine, which is neutral and non-polar, with threonine, which is neutral and polar, at codon 156 of the POMGNT2 protein (p.Ala156Thr).